The following is an entry in ClinVar:

NM_003995.4(NPR2):c.2105T>A (p.Met702Lys)

Gene: NPR2 (natriuretic peptide receptor 2; plus strand). Cytogenetic location: 9p13.3.
Variant type: single nucleotide variant.
Coding change: c.2105T>A on transcript NM_003995.4 (MANE Select); coding-DNA position 2105, T replaced by A.
Protein change: p.Met702Lys; replaces methionine 702 with lysine.
Molecular consequence: missense variant.
Genome position (GRCh38, 1-based): chr9:35,805,887, T>A. VCF-style: chr9-35805887-T-A. GRCh37 (hg19) VCF-style: chr9-35805884-T-A.
Other names: c.2114T>A, p.Met705Lys (NM_001378923.1); short protein forms M702K, M705K.
Identifiers: ClinVar variation 760980 (VCV000760980.12), dbSNP rs200129431, ClinGen allele CA5051900.
Genomic context (GRCh38, chr9:35,805,887, plus strand): 5'-CAGAGAAGCTGTGGACTGCCCCAGAACTGCTCAGTGGGAACCCCTTGCCAACCACAGGCA[T>A]GCAGAAGGCTGACGTCTATAGCTTTGGGATCATCCTGCAGGAGATAGCACTTCGCAGTGG-3'
Protein context (NP_003986.2, residues 692-712): LSGNPLPTTG[Met702Lys]QKADVYSFGI

ClinVar aggregate classification (germline): Likely benign. Review status: criteria provided, multiple submitters, no conflicts (2 of 4 stars). 3 submissions from 3 submitters: Likely benign (2). 1 of the submissions does not count toward it. Last evaluated 2026-05-07.

Conditions:
Tall stature-scoliosis-macrodactyly of the great toes syndrome. Also called: Epiphyseal chondrodysplasia, miura type. Identifiers: Orphanet 329191, MedGen C4014690, MONDO:0014401, OMIM 615923.
Acromesomelic dysplasia 1, Maroteaux type (AMD1). Also called: ACROMESOMELIC DYSPLASIA 1; ST. HELENA DYSPLASIA. Identifiers: Orphanet 40, MedGen C1864356, MONDO:0011275, OMIM 602875.
NPR2-related disorder. Also called: NPR2-related disorders; NPR2-related condition.

Allele frequency attached by ClinVar (database versions not stated): TOPMed 0.00006; gnomAD 0.00009 and 0.00010; ExAC 0.00016.

Submissions (4):

Women's Health and Genetics/Laboratory Corporation of America, LabCorp
Classification: Likely benign. Last evaluated: 2026-05-07. Review status: criteria provided, single submitter. Criteria: LabCorp Variant Classification Summary - May 2015. Collection method: clinical testing. Allele origin: germline.
Comment: Variant summary: NPR2 c.2105T>A (p.Met702Lys) results in a non-conservative amino acid change in the encoded protein sequence. Algorithms developed to predict the effect of missense changes on protein structure and function are either unavailable or do not agree on the potential impact of this missense change. The variant allele was found at a frequency of 0.00026 in 251378 control chromosomes, predominantly at a frequency of 0.0057 within the Ashkenazi Jewish subpopulation in the gnomAD database. The observed variant frequency within Ashkenazi Jewish control individuals in the gnomAD database exceeds the estimated maximal expected allele frequency for disease-causing variants in NPR2. To our knowledge, no occurrence of c.2105T>A in individuals affected with NPR2-related conditions and no experimental evidence demonstrating its impact on protein function have been reported. ClinVar contains an entry for this variant (Variation ID: 760980). Based on the evidence outlined above, the variant was classified as likely benign.

Labcorp Genetics (formerly Invitae), Labcorp
Classification: Likely benign for Tall stature-scoliosis-macrodactyly of the great toes syndrome; Acromesomelic dysplasia 1, Maroteaux type. Last evaluated: 2026-02-01. Review status: criteria provided, single submitter. Criteria: Invitae Variant Classification Sherloc (09022015). Collection method: clinical testing. Allele origin: germline.

PreventionGenetics, part of Exact Sciences
Classification: Likely benign for NPR2-related condition. Last evaluated: 2019-06-10. Review status: no assertion criteria provided. Collection method: clinical testing. Allele origin: germline. Not counted in ClinVar's aggregate classification.
Comment: This variant is classified as likely benign based on ACMG/AMP sequence variant interpretation guidelines (Richards et al. 2015 PMID: 25741868, with internal and published modifications).

Dr. Peter K. Rogan Lab, Western University
No classification provided (evidence only). Condition: Colon adenocarcinoma. Review status: no classification provided. Collection method: in vitro. Allele origin: not applicable. Functional consequence: retained intron. Not counted in ClinVar's aggregate classification.